The following is an entry in ClinVar:

ClinVar aggregate classification (germline): Conflicting classifications of pathogenicity. Review status: criteria provided, conflicting classifications (1 of 4 stars). 8 submissions from 8 submitters: Uncertain significance (4); Likely benign (4). Last evaluated 2025-12-02.

Conditions:
Cardiovascular phenotype. Identifiers: MedGen CN230736.
Catecholaminergic polymorphic ventricular tachycardia (CVPT). Also called: Catecholamine-induced polymorphic ventricular tachycardia. Identifiers: Orphanet 3286, MedGen C5574922, MONDO:0017990.
Cardiomyopathy (CMYO). Also called: Cardiomyopathies. Identifiers: Orphanet 167848, MedGen C0878544, MONDO:0004994, HP:0001638. Inheritance: Various modes of inheritance.
Catecholaminergic polymorphic ventricular tachycardia 1. Also called: VENTRICULAR TACHYCARDIA, CATECHOLAMINERGIC POLYMORPHIC, 1, WITH OR WITHOUT ATRIAL DYSFUNCTION AND/OR DILATED CARDIOMYOPATHY; RYR2-Related Catecholaminergic Polymorphic Ventricular Tachycardia; VENTRICULAR TACHYCARDIA, STRESS-INDUCED POLYMORPHIC 1. Identifiers: Orphanet 3286, MedGen C1631597, MONDO:0011484, OMIM 604772.

Allele frequency attached by ClinVar (database versions not stated): gnomAD exomes 0.00002 and 0.00008; ExAC 0.00006; gnomAD 0.00018 and 0.00021; TOPMed 0.00018; ESP Exome Variant Server 0.00042.
gnomAD v4.1: 57 of 1,613,758 alleles (0.0035%); highest among the groups gnomAD compares: African/African-American, 0.053%; no homozygotes.

Submissions (8):

Labcorp Genetics (formerly Invitae), Labcorp
Classification: Likely benign for Catecholaminergic polymorphic ventricular tachycardia 1. Last evaluated: 2025-12-02. Review status: criteria provided, single submitter. Criteria: Invitae Variant Classification Sherloc (09022015). Collection method: clinical testing. Allele origin: germline.

Color Diagnostics, LLC DBA Color Health
Classification: Likely benign for Cardiomyopathy. Last evaluated: 2025-09-30. Review status: criteria provided, single submitter. Criteria: ACMG Guidelines, 2015. Collection method: clinical testing. Allele origin: germline.

GeneDx
Classification: Uncertain significance. Last evaluated: 2025-09-23. Review status: criteria provided, single submitter. Criteria: GeneDx Variant Classification Process June 2021. Collection method: clinical testing. Allele origin: germline. Affected: yes.
Comment: In silico analysis supports that this missense variant has a deleterious effect on protein structure/function; Has not been previously published as pathogenic or benign to our knowledge; Not located in one of the three hot-spot regions of the RYR2 gene, where the majority of pathogenic missense variants occur (PMID: 19926015)

Ambry Genetics
Classification: Likely benign for Cardiovascular phenotype. Last evaluated: 2024-08-13. Review status: criteria provided, single submitter. Criteria: Ambry Variant Classification Scheme 2023. Collection method: clinical testing. Allele origin: germline.

Blueprint Genetics
Classification: Uncertain significance. Last evaluated: 2024-03-04. Review status: criteria provided, single submitter. Criteria: ACMG Guidelines, 2015. Collection method: clinical testing. Allele origin: germline.

All of Us Research Program, National Institutes of Health
Classification: Uncertain significance for Catecholaminergic polymorphic ventricular tachycardia. Last evaluated: 2023-12-01. Review status: criteria provided, single submitter. Criteria: ACMG Guidelines, 2015. Collection method: clinical testing. Allele origin: germline. Inheritance: Autosomal dominant inheritance. Observed: 6 variant alleles, 6 heterozygotes.
Comment: This missense variant replaces glycine with arginine at codon 797 of the RYR2 protein. Computational prediction is inconclusive regarding the impact of this variant on protein structure and function (internally defined REVEL score threshold 0.5 < inconclusive < 0.7, PMID: 27666373). To our knowledge, functional studies have not been reported for this variant. This variant has not been reported in individuals affected with RYR2-related disorders in the literature. This variant has been identified in 23/280660 chromosomes in the general population by the Genome Aggregation Database (gnomAD). The available evidence is insufficient to determine the role of this variant in disease conclusively. Therefore, this variant is classified as a Variant of Uncertain Significance.

This study involves interpretation of variants in research participants for the purpose of population health screening. Participant phenotype was not available at the time of variant classification. Additional details can be found in publication PMID: 35346344, PMCID: PMC8962531

Mayo Clinic Laboratories, Mayo Clinic
Classification: Uncertain significance. Last evaluated: 2023-10-13. Review status: criteria provided, single submitter. Criteria: ACMG Guidelines, 2015. Collection method: clinical testing. Allele origin: germline. Observed: 1 variant allele.

Women's Health and Genetics/Laboratory Corporation of America, LabCorp
Classification: Likely benign. Last evaluated: 2017-03-06. Review status: criteria provided, single submitter. Criteria: LabCorp Variant Classification Summary - May 2015. Collection method: clinical testing. Allele origin: germline.
Comment: Variant summary: The RYR2 c.2389G>A (p.Gly797Arg) variant involves the alteration of a conserved nucleotide. 4/5 in silico tools predict a damaging outcome for this variant. This variant was found in 7/120662 control chromosomes, predominantly observed in the African subpopulation at a frequency of 0.000715 (7/9794). This frequency is about 29 times the estimated maximal expected allele frequency of a pathogenic RYR2 variant (0.000025), suggesting this is likely a benign polymorphism found primarily in the populations of African origin. In addition, one clinical diagnostic laboratory classified this variant as uncertain significance, without evidence for independent evaluation. The variant of interest has not, to our knowledge, been reported in affected individuals via publications; nor evaluated for functional impact by in vivo/vitro studies. Taken together, this variant is classified as likely benign.

NM_001035.3(RYR2):c.2389G>A (p.Gly797Arg)

Gene: RYR2 (ryanodine receptor 2; plus strand). Cytogenetic location: 1q43.
Variant type: single nucleotide variant.
Coding change: c.2389G>A on transcript NM_001035.3 (MANE Select); coding-DNA position 2389, G replaced by A.
Protein change: p.Gly797Arg; replaces glycine 797 with arginine.
Molecular consequence: missense variant.
Genome position (GRCh38, 1-based): chr1:237,500,896, G>A. VCF-style: chr1-237500896-G-A. GRCh37 (hg19) VCF-style: chr1-237664196-G-A.
Other names: p.Gly797Arg; c.2389G>A, p.Gly797Arg (LRG_402t1); short protein forms G797R.
Identifiers: ClinVar variation 180488 (VCV000180488.25), dbSNP rs200121281, ClinGen allele CA008789.